The following is an entry in ClinVar:

ClinVar aggregate classification (germline): Likely benign. Review status: reviewed by expert panel (3 of 4 stars). 4 submissions from 4 submitters: Likely benign (1). 3 of the submissions do not count toward it. Last evaluated 2026-04-29.

Conditions:
Hereditary thrombocytopenia and hematologic cancer predisposition syndrome. Identifiers: Orphanet 71290, MedGen CN281654, MONDO:0011071.
Inborn genetic diseases. Identifiers: MedGen C0950123, MeSH D030342.
Hereditary thrombocytopenia and hematological cancer predisposition syndrome associated with RUNX1. Also called: Familial Platelet Disorder with Propensity to Acute Myelogenous Leukemia; Familial thrombocytopenia with propensity to acute myelogenous leukemia; PLATELET DISORDER, ASPIRIN-LIKE; RUNX1 Familial Platelet Disorder with Associated Myeloid Malignancies. Identifiers: Orphanet 71290, MedGen C1832388, MeSH C563324, MONDO:0100083, OMIM 601399.

Allele frequency attached by ClinVar (database versions not stated): gnomAD 0.00001; gnomAD exomes below 0.00001; TOPMed 0.00001.
gnomAD v4.1: 5 of 1,599,410 alleles (0.00031%); highest among the groups gnomAD compares: South Asian, 0.0045%; no homozygotes.

Submissions (4):

ClinGen Myeloid Malignancy Variant Curation Expert Panel
Classification: Likely benign for Hereditary thrombocytopenia and hematologic cancer predisposition syndrome. Last evaluated: 2026-04-29. Review status: reviewed by expert panel. Criteria: ClinGen MyeloMalig ACMG Specifications V3.1. Collection method: curation. Allele origin: germline. Inheritance: Autosomal dominant inheritance.
Comment: NM_001754.5(RUNX1):c.990C>T (p.Phe330=) is a synonymous variant which has a SpliceAI score ≤ 0.20 (0.0) (BP4, BP7). This variant is completely absent from all population databases with at least 20x coverage for RUNX1 (PM2_supporting). In summary, this variant meets criteria to be classified as likely benign. ACMG/AMP criteria applied, as specified by the Myeloid Malignancy Variant Curation Expert Panel for RUNX1: BP4, BP7, PM2_supporting.

Ambry Genetics
Classification: Likely benign for Inborn genetic diseases. Last evaluated: 2026-08-11. Review status: criteria provided, single submitter. Criteria: Ambry Variant Classification Scheme 2023. Collection method: clinical testing. Allele origin: germline. Not counted in ClinVar's aggregate classification.

Labcorp Genetics (formerly Invitae), Labcorp
Classification: Likely benign for Hereditary thrombocytopenia and hematological cancer predisposition syndrome associated with RUNX1. Last evaluated: 2023-09-01. Review status: criteria provided, single submitter. Criteria: Invitae Variant Classification Sherloc (09022015). Collection method: clinical testing. Allele origin: germline. Not counted in ClinVar's aggregate classification.

GeneDx
Classification: Uncertain significance. Last evaluated: 2023-01-23. Review status: criteria provided, single submitter. Criteria: GeneDx Variant Classification Process June 2021. Collection method: clinical testing. Allele origin: germline. Affected: yes. Not counted in ClinVar's aggregate classification.
Comment: Not observed at significant frequency in large population cohorts (gnomAD); In silico analysis supports that this variant does not alter splicing; Has not been previously published as pathogenic or benign to our knowledge

NM_001754.5(RUNX1):c.990C>T (p.Phe330=)

Gene: RUNX1 (RUNX family transcription factor 1; minus strand). Cytogenetic location: 21q22.12.
Variant type: single nucleotide variant.
Coding change: c.990C>T on transcript NM_001754.5 (MANE Select); coding-DNA position 990, C replaced by T.
Protein change: p.Phe330=; no amino-acid change (phenylalanine 330 retained).
Molecular consequence: synonymous variant.
Genome position (GRCh38, 1-based): chr21:34,792,588, G>A on the plus strand (C>T on the coding strand, the complement: RUNX1 is on the minus strand). VCF-style: chr21-34792588-G-A. GRCh37 (hg19) VCF-style: chr21-36164885-G-A.
Other names: NM_001754.5(RUNX1):c.990C>T; p.Phe330=; c.990C>T (NM_001754.4); c.909C>T, p.Phe303= (NM_001001890.3).
Identifiers: ClinVar variation 1587386 (VCV001587386.12), dbSNP rs1313529266, ClinGen allele CA512341388.